The following is an entry in ClinVar:

ClinVar aggregate classification (germline): Uncertain significance (1 of 4 stars; one submission).

gnomAD v4.1: 2 of 1,550,344 alleles (0.00013%); highest among the groups gnomAD compares: Non-Finnish European, 0.00017%; no homozygotes.

Submission:

Labcorp Genetics (formerly Invitae), Labcorp
Classification: Uncertain significance. Last evaluated: 2024-03-24. Review status: criteria provided, single submitter. Criteria: Invitae Variant Classification Sherloc (09022015). Collection method: clinical testing. Allele origin: germline.
Comment: This sequence change replaces glycine, which is neutral and non-polar, with arginine, which is basic and polar, at codon 2189 of the ZNF469 protein (p.Gly2189Arg). This variant is not present in population databases (gnomAD no frequency). This variant has not been reported in the literature in individuals affected with ZNF469-related conditions. Algorithms developed to predict the effect of missense changes on protein structure and function output the following: SIFT: "Not Available"; PolyPhen-2: "Possibly Damaging"; Align-GVGD: "Not Available". The arginine amino acid residue is found in multiple mammalian species, which suggests that this missense change does not adversely affect protein function. In summary, the available evidence is currently insufficient to determine the role of this variant in disease. Therefore, it has been classified as a Variant of Uncertain Significance.

NM_001367624.2(ZNF469):c.6649G>A (p.Gly2217Arg)

Gene: ZNF469 (zinc finger protein 469; plus strand). Cytogenetic location: 16q24.2.
Variant type: single nucleotide variant.
Coding change: c.6649G>A on transcript NM_001367624.2 (MANE Select); coding-DNA position 6649, G replaced by A.
Protein change: p.Gly2217Arg; replaces glycine 2217 with arginine.
Molecular consequence: missense variant.
Genome position (GRCh38, 1-based): chr16:88,434,119, G>A. VCF-style: chr16-88434119-G-A. GRCh37 (hg19) VCF-style: chr16-88500527-G-A.
Other names: short protein forms G2217R.
Identifiers: ClinVar variation 3710711 (VCV003710711.2).